The following is an entry in ClinVar:

NM_007194.4(CHEK2):c.335_341del (p.Asn112fs)

Gene: CHEK2 (checkpoint kinase 2; minus strand). Cytogenetic location: 22q12.1.
Variant type: Deletion.
Coding change: c.335_341del on transcript NM_007194.4 (MANE Select); coding-DNA positions 335 to 341, 7 bases deleted (ACTACTG; older notation c.335_341delACTACTG).
Protein change: p.Asn112fs; shifts the reading frame from asparagine 112.
Molecular consequence: frameshift variant.
Genome position (GRCh38, 1-based): chr22:28,725,346-28,725,352, CAGTAGT deleted on the plus strand (ACTACTG on the coding strand, the reverse complement: CHEK2 is on the minus strand). VCF-style (leftmost placement, unchanged base first): chr22-28725345-CCAGTAGT-C. GRCh37 (hg19) VCF-style: chr22-29121333-CCAGTAGT-C.
Other names: c.464_470delACTACTG, p.Asn155Serfs (NM_001005735.3); c.-443_-437delACTACTG (NM_001257387.3); c.335_341delACTACTG, p.Asn112Serfs (NM_001349956.3, NM_145862.3); short protein forms N112fs, N155fs.
Identifiers: ClinVar variation 2092265 (VCV002092265.4), dbSNP rs2518061118, ClinGen allele CA2580099535.

ClinVar aggregate classification (germline): Pathogenic (1 of 4 stars; one submission).

Conditions:
Familial cancer of breast. Also called: hereditary breast carcinoma; BREAST CANCER, FAMILIAL; Hereditary breast cancer. Identifiers: Orphanet 227535, MedGen C0346153, MONDO:0016419, OMIM 114480. Disease mechanism: loss of function.

Submission:

Labcorp Genetics (formerly Invitae), Labcorp
Classification: Pathogenic for Familial cancer of breast. Last evaluated: 2022-02-03. Review status: criteria provided, single submitter. Criteria: Invitae Variant Classification Sherloc (09022015). Collection method: clinical testing. Allele origin: germline.
Comment: This variant has not been reported in the literature in individuals affected with CHEK2-related conditions. Algorithms developed to predict the effect of sequence changes on RNA splicing suggest that this variant may create or strengthen a splice site. For these reasons, this variant has been classified as Pathogenic. This sequence change creates a premature translational stop signal (p.Asn112Serfs*17) in the CHEK2 gene. It is expected to result in an absent or disrupted protein product. Loss-of-function variants in CHEK2 are known to be pathogenic (PMID: 21876083, 24713400). This variant is not present in population databases (gnomAD no frequency).

Literature cited by the submitters: PubMed 21876083; PubMed 24713400.